The following is an entry in ClinVar:

ClinVar aggregate classification (germline): Uncertain significance (1 of 4 stars; one submission).

gnomAD v4.1: 1 of 1,614,188 alleles (0.000062%); highest among the groups gnomAD compares: South Asian, 0.0011%; no homozygotes.

Submission:

GeneDx
Classification: Uncertain significance. Last evaluated: 2026-03-04. Review status: criteria provided, single submitter. Criteria: GeneDx Variant Classification Process June 2021. Collection method: clinical testing. Allele origin: germline.
Comment: Not observed at significant frequency in large population cohorts (gnomAD); In silico analysis suggests that this missense variant does not alter protein structure/function; Has not been previously published as pathogenic or benign to our knowledge

NM_004973.4(JARID2):c.3101C>G (p.Thr1034Ser)

Gene: JARID2 (jumonji and AT-rich interaction domain containing 2; plus strand). Cytogenetic location: 6p22.3.
Variant type: single nucleotide variant.
Coding change: c.3101C>G on transcript NM_004973.4 (MANE Select); coding-DNA position 3101, C replaced by G.
Protein change: p.Thr1034Ser; replaces threonine 1034 with serine.
Molecular consequence: missense variant.
Genome position (GRCh38, 1-based): chr6:15,512,356, C>G. VCF-style: chr6-15512356-C-G. GRCh37 (hg19) VCF-style: chr6-15512587-C-G.
Other names: c.2585C>G, p.Thr862Ser (NM_001267040.1); short protein forms T862S, T1034S.
Identifiers: ClinVar variation 5008560 (VCV005008560.1).